The following is an entry in ClinVar:

ClinVar aggregate classification (germline): Uncertain significance (1 of 4 stars; one submission).

Conditions:
Autosomal recessive nonsyndromic hearing loss 21. Identifiers: Orphanet 90636, MedGen C1863655, MONDO:0011351, OMIM 603629.

Submission:

3billion
Classification: Uncertain significance for Autosomal recessive nonsyndromic hearing loss 21. Last evaluated: 2022-09-01. Review status: criteria provided, single submitter. Criteria: ACMG Guidelines, 2015. Collection method: clinical testing. Allele origin: germline. Affected: yes. Observed: 1 heterozygote.
Comment: The variant is not observed in the gnomAD v2.1.1 dataset. In silico tool predictions suggest damaging effect of the variant on gene or gene product (REVEL: 0.66). Therefore, this variant is classified as uncertain significance according to the recommendation of ACMG/AMP guideline.

NM_005422.4(TECTA):c.5741C>G (p.Pro1914Arg)

Genes: TECTA (tectorin alpha; plus strand), TBCEL-TECTA (TBCEL-TECTA readthrough; plus strand). Cytogenetic location: 11q23.3.
Variant type: single nucleotide variant.
Coding change: c.5741C>G on transcript NM_005422.4 (MANE Select); coding-DNA position 5741, C replaced by G.
Protein change: p.Pro1914Arg; replaces proline 1914 with arginine.
Molecular consequence: missense variant.
Genome position (GRCh38, 1-based): chr11:121,168,208, C>G. VCF-style: chr11-121168208-C-G. GRCh37 (hg19) VCF-style: chr11-121038917-C-G.
Other names: c.6683C>G, p.Pro2228Arg (NM_001378761.1); short protein forms P1914R, P2228R.
Identifiers: ClinVar variation 1705546 (VCV001705546.1), dbSNP rs2496992290, ClinGen allele CA383035745.